The following is an entry in ClinVar:

ClinVar aggregate classification (germline): Benign (0 of 4 stars; one submission).

Conditions:
HELQ-related disorder. Also called: HELQ-related condition.

Allele frequency attached by ClinVar (database versions not stated): gnomAD exomes 0.00034; ExAC 0.00126; gnomAD 0.00411; ESP Exome Variant Server 0.00423; TOPMed 0.00448; 1000 Genomes Project 0.00459; 1000 Genomes Project 30x 0.00484.
gnomAD v4.1: 1,140 of 1,561,598 alleles (0.073%); highest among the groups gnomAD compares: African/African-American, 1.3%; 6 homozygotes.

Submission:

PreventionGenetics, part of Exact Sciences
Classification: Benign for HELQ-related condition. Last evaluated: 2019-12-05. Review status: no assertion criteria provided. Collection method: clinical testing. Allele origin: germline.
Comment: This variant is classified as benign based on ACMG/AMP sequence variant interpretation guidelines (Richards et al. 2015 PMID: 25741868, with internal and published modifications).

NM_133636.5(HELQ):c.1654A>C (p.Asn552His)

Gene: HELQ (helicase, POLQ like; minus strand). Cytogenetic location: 4q21.23.
Variant type: single nucleotide variant.
Coding change: c.1654A>C on transcript NM_133636.5 (MANE Select); coding-DNA position 1654, A replaced by C.
Protein change: p.Asn552His; replaces asparagine 552 with histidine.
Molecular consequence: missense variant.
Genome position (GRCh38, 1-based): chr4:83,441,313, T>G on the plus strand (A>C on the coding strand, the complement: HELQ is on the minus strand). VCF-style: chr4-83441313-T-G. GRCh37 (hg19) VCF-style: chr4-84362466-T-G.
Other names: c.1453A>C, p.Asn485His (NM_001297755.2); c.163A>C, p.Asn55His (NM_001297756.2); c.22A>C, p.Asn8His (NM_001297757.2); short protein forms N485H, N552H, N55H, N8H.
Identifiers: ClinVar variation 3050054 (VCV003050054.2), dbSNP rs148668655, ClinGen allele CA2989701.
Genomic context (GRCh38, chr4:83,441,313, plus strand): 5'-TGCCCCAGACACAAAGTCTGGTAACCTGGAATTTAAATGTTATCAATGTTACCTTATAAT[T>G]AAGAAGACGTGAAAAAGTCATGCCATTCTCAGCTTTGCTGTCAACTTCATATATTGTATC-3'
Protein context (NP_598375.3, residues 542-562): ENGMTFSRLL[Asn552His]YKYSDTLKKM